The following is an entry in ClinVar:

NM_182961.4(SYNE1):c.10633G>A (p.Gly3545Arg)

Gene: SYNE1 (spectrin repeat containing nuclear envelope protein 1; minus strand). Cytogenetic location: 6q25.2.
Variant type: single nucleotide variant.
Coding change: c.10633G>A on transcript NM_182961.4 (MANE Select); coding-DNA position 10633, G replaced by A.
Protein change: p.Gly3545Arg; replaces glycine 3545 with arginine.
Molecular consequence: missense variant.
Genome position (GRCh38, 1-based): chr6:152,354,952, C>T on the plus strand (G>A on the coding strand, the complement: SYNE1 is on the minus strand). VCF-style: chr6-152354952-C-T. GRCh37 (hg19) VCF-style: chr6-152676087-C-T.
Other names: c.10654G>A, p.Gly3552Arg (NM_033071.5); short protein forms G3545R, G3552R.
Identifiers: ClinVar variation 1716019 (VCV001716019.5), dbSNP rs2488310061, ClinGen allele CA366125860.

ClinVar aggregate classification (germline): Uncertain significance (1 of 4 stars; one submission).

Conditions:
Emery-Dreifuss muscular dystrophy 4, autosomal dominant (EDMD4). Also called: EMERY-DREIFUSS MUSCULAR DYSTROPHY 4 WITH VARIABLE FEATURES. Identifiers: Orphanet 261, MedGen C2751807, MONDO:0013071, OMIM 612998.
Autosomal recessive ataxia, Beauce type. Also called: SYNE1-Related Autosomal Recessive Cerebellar Ataxia; SYNE1 Deficiency; Spinocerebellar ataxia, autosomal recessive 8; ATAXIA, RECESSIVE, OF BEAUCE. Identifiers: Orphanet 88644, MedGen C1853116, MONDO:0012549, OMIM 610743.

Submission:

Labcorp Genetics (formerly Invitae), Labcorp
Classification: Uncertain significance for Emery-Dreifuss muscular dystrophy 4, autosomal dominant; Autosomal recessive ataxia, Beauce type. Last evaluated: 2024-05-29. Review status: criteria provided, single submitter. Criteria: Invitae Variant Classification Sherloc (09022015). Collection method: clinical testing. Allele origin: germline.
Comment: This sequence change replaces glycine, which is neutral and non-polar, with arginine, which is basic and polar, at codon 3552 of the SYNE1 protein (p.Gly3552Arg). This variant is not present in population databases (gnomAD no frequency). This variant has not been reported in the literature in individuals affected with SYNE1-related conditions. ClinVar contains an entry for this variant (Variation ID: 1716019). An algorithm developed to predict the effect of missense changes on protein structure and function (PolyPhen-2) suggests that this variant is likely to be disruptive. In summary, the available evidence is currently insufficient to determine the role of this variant in disease. Therefore, it has been classified as a Variant of Uncertain Significance.